The following is an entry in ClinVar:

NM_001267550.2(TTN):c.60140G>A (p.Arg20047Lys)

Genes: TTN-AS1 (TTN antisense RNA 1; plus strand), TTN (titin; minus strand), LOC126806424 (CDK7 strongly-dependent group 2 enhancer GRCh37_chr2:179456337-179457536; plus strand). Cytogenetic location: 2q31.2.
Variant type: single nucleotide variant.
Coding change: c.60140G>A on transcript NM_001267550.2 (MANE Select); coding-DNA position 60140, G replaced by A.
Protein change: p.Arg20047Lys; replaces arginine 20047 with lysine.
Molecular consequence: missense variant.
Genome position (GRCh38, 1-based): chr2:178,591,679, C>T on the plus strand (G>A on the coding strand, the complement: TTN is on the minus strand). VCF-style: chr2-178591679-C-T. GRCh37 (hg19) VCF-style: chr2-179456406-C-T.
Other names: p.R18406K:AGA>AAA; c.60140G>A (NM_001267550.1); c.55217G>A, p.Arg18406Lys (NM_001256850.1); c.32945G>A, p.Arg10982Lys (NM_003319.4); c.52436G>A, p.Arg17479Lys (NM_133378.4); c.33320G>A, p.Arg11107Lys (NM_133432.3); c.33521G>A, p.Arg11174Lys (NM_133437.4); short protein forms R18406K, R20047K, R17479K, R11107K, R11174K, R10982K.
Identifiers: ClinVar variation 202747 (VCV000202747.14), dbSNP rs371060708, ClinGen allele CA310161.

ClinVar aggregate classification (germline): Uncertain significance. Review status: criteria provided, multiple submitters, no conflicts (2 of 4 stars). 5 submissions from 5 submitters: Uncertain significance (5). Last evaluated 2024-11-08.

Conditions:
Dilated cardiomyopathy 1G (CMD1G). Identifiers: Orphanet 154, MedGen C1858763, MONDO:0011400, OMIM 604145.
Autosomal recessive limb-girdle muscular dystrophy type 2J (LGMDR10). Also called: MUSCULAR DYSTROPHY, LIMB-GIRDLE, AUTOSOMAL RECESSIVE 10; Limb-girdle muscular dystrophy, type 2J. Identifiers: Orphanet 140922, MedGen C1837342, MONDO:0012127, OMIM 608807.
Cardiomyopathy (CMYO). Also called: Cardiomyopathies. Identifiers: Orphanet 167848, MedGen C0878544, MONDO:0004994, HP:0001638. Inheritance: Various modes of inheritance.

Allele frequency attached by ClinVar (database versions not stated): gnomAD exomes 0.00002 and 0.00009; ExAC 0.00003; gnomAD 0.00004 and 0.00005; TOPMed 0.00004; ESP Exome Variant Server 0.00017.
gnomAD v4.1: 133 of 1,613,314 alleles (0.0082%); highest among the groups gnomAD compares: Non-Finnish European, 0.011%; no homozygotes.

Submissions (5):

GeneDx
Classification: Uncertain significance. Last evaluated: 2024-11-08. Review status: criteria provided, single submitter. Criteria: GeneDx Variant Classification Process June 2021. Collection method: clinical testing. Allele origin: germline. Affected: yes.
Comment: Observed in individuals with dilated cardiomyopathy in published literature; however, additional clinical information was not provided (PMID: 31983221); Not observed at significant frequency in large population cohorts (gnomAD); Missense variant in a gene in which most reported pathogenic variants are truncating/loss of function; This variant is associated with the following publications: (PMID: 23975875, 31983221)

Revvity Omics, Revvity
Classification: Uncertain significance. Last evaluated: 2021-02-08. Review status: criteria provided, single submitter. Criteria: ACMG Guidelines, 2015. Collection method: clinical testing. Allele origin: germline.

Eurofins Ntd Llc (ga)
Classification: Uncertain significance. Last evaluated: 2018-06-29. Review status: criteria provided, single submitter. Criteria: EGL ClinVar v180209 classification definitions. Collection method: clinical testing. Allele origin: germline. Observed: 1 variant allele, 1 heterozygote.

CHEO Genetics Diagnostic Laboratory, Children's Hospital of Eastern Ontario
Classification: Uncertain significance for Cardiomyopathy. Last evaluated: 2017-12-01. Review status: criteria provided, single submitter. Criteria: ACMG Guidelines, 2015. Collection method: clinical testing. Allele origin: germline.

Labcorp Genetics (formerly Invitae), Labcorp
Classification: Uncertain significance for Dilated cardiomyopathy 1G; Autosomal recessive limb-girdle muscular dystrophy type 2J. Last evaluated: 2016-08-03. Review status: criteria provided, single submitter. Criteria: Invitae Variant Classification Sherloc (09022015). Collection method: clinical testing. Allele origin: germline.